The following is an entry in ClinVar:

ClinVar aggregate classification (germline): Conflicting classifications of pathogenicity. Review status: criteria provided, conflicting classifications (1 of 4 stars). 3 submissions from 3 submitters: Uncertain significance (2); Likely benign (1). Last evaluated 2025-07-31.

Conditions:
Retinoblastoma (RB1). Also called: RETINOBLASTOMA, SOMATIC. Identifiers: Orphanet 790, MedGen C0035335, MeSH D012175, MONDO:0008380, OMIM 180200, HP:0009919. Disease mechanism: loss of function. Inheritance: Both sporadic and heritable forms are tested..
Malignant tumor of urinary bladder. Also called: Urinary bladder cancer; Bladder cancer; Urinary Bladder Neoplasms. Identifiers: MedGen C0005684, MONDO:0001187, OMIM 109800.
Hereditary cancer-predisposing syndrome. Also called: Tumor predisposition; Hereditary neoplastic syndrome; Hereditary Cancer Syndrome; Neoplastic Syndromes, Hereditary. Identifiers: Orphanet 140162, MedGen C0027672, MeSH D009386, MONDO:0015356.

Allele frequency attached by ClinVar (database versions not stated): TOPMed below 0.00001.
gnomAD v4.1: 9 of 1,502,712 alleles (0.0006%); highest among the groups gnomAD compares: Middle Eastern, 0.023%; no homozygotes.

Submissions (3):

Labcorp Genetics (formerly Invitae), Labcorp
Classification: Likely benign for Retinoblastoma. Last evaluated: 2025-07-31. Review status: criteria provided, single submitter. Criteria: Invitae Variant Classification Sherloc (09022015). Collection method: clinical testing. Allele origin: germline.

Ambry Genetics
Classification: Uncertain significance for Hereditary cancer-predisposing syndrome. Last evaluated: 2024-04-24. Review status: criteria provided, single submitter. Criteria: Ambry Variant Classification Scheme 2023. Collection method: clinical testing. Allele origin: germline.
Comment: The p.P21L variant (also known as c.62C>T), located in coding exon 1 of the RB1 gene, results from a C to T substitution at nucleotide position 62. The proline at codon 21 is replaced by leucine, an amino acid with similar properties. This amino acid position is highly conserved in available vertebrate species. In addition, the in silico prediction for this alteration is inconclusive. Based on the available evidence, the clinical significance of this variant remains unclear.

Baylor Genetics
Classification: Uncertain significance for Malignant tumor of urinary bladder. Last evaluated: 2023-09-26. Review status: criteria provided, single submitter. Criteria: ACMG Guidelines, 2015. Collection method: clinical testing. Allele origin: unknown.

NM_000321.3(RB1):c.62C>T (p.Pro21Leu)

Gene: RB1 (RB transcriptional corepressor 1; plus strand). Cytogenetic location: 13q14.2.
Variant type: single nucleotide variant.
Coding change: c.62C>T on transcript NM_000321.3 (MANE Select); coding-DNA position 62, C replaced by T.
Protein change: p.Pro21Leu; replaces proline 21 with leucine.
Molecular consequence: missense variant.
Genome position (GRCh38, 1-based): chr13:48,303,974, C>T. VCF-style: chr13-48303974-C-T. GRCh37 (hg19) VCF-style: chr13-48878110-C-T.
Other names: short protein forms P21L.
Identifiers: ClinVar variation 576223 (VCV000576223.16), dbSNP rs1444353743, ClinGen allele CA388250249.